The following is an entry in ClinVar:

ClinVar aggregate classification (germline): Uncertain significance. Review status: criteria provided, multiple submitters, no conflicts (2 of 4 stars). 3 submissions from 3 submitters: Uncertain significance (3). Last evaluated 2025-12-29.

Conditions:
Hereditary cancer-predisposing syndrome. Also called: Tumor predisposition; Hereditary neoplastic syndrome; Neoplastic Syndromes, Hereditary; Hereditary Cancer Syndrome. Identifiers: Orphanet 140162, MedGen C0027672, MeSH D009386, MONDO:0015356.

Submissions (3):

Center for Genomic Medicine, Rigshospitalet, Copenhagen University Hospital
Classification: Uncertain significance. Last evaluated: 2025-12-29. Review status: criteria provided, single submitter. Criteria: ACMG Guidelines, 2015. Collection method: clinical testing. Allele origin: germline.

Ambry Genetics
Classification: Uncertain significance for Hereditary cancer-predisposing syndrome. Last evaluated: 2024-11-23. Review status: criteria provided, single submitter. Criteria: Ambry Variant Classification Scheme 2023. Collection method: clinical testing. Allele origin: germline.
Comment: The p.S1116R variant (also known as c.3348C>G), located in coding exon 27 of the POLE gene, results from a C to G substitution at nucleotide position 3348. The serine at codon 1116 is replaced by arginine, an amino acid with dissimilar properties. This amino acid position is conserved. In addition, this alteration is predicted to be tolerated by in silico analysis. Based on the available evidence, the clinical significance of this variant remains unclear.

Labcorp Genetics (formerly Invitae), Labcorp
Classification: Uncertain significance. Last evaluated: 2024-05-12. Review status: criteria provided, single submitter. Criteria: Invitae Variant Classification Sherloc (09022015). Collection method: clinical testing. Allele origin: germline.
Comment: This sequence change replaces serine, which is neutral and polar, with arginine, which is basic and polar, at codon 1116 of the POLE protein (p.Ser1116Arg). This variant is not present in population databases (gnomAD no frequency). This variant has not been reported in the literature in individuals affected with POLE-related conditions. ClinVar contains an entry for this variant (Variation ID: 666019). Advanced modeling of protein sequence and biophysical properties (such as structural, functional, and spatial information, amino acid conservation, physicochemical variation, residue mobility, and thermodynamic stability) performed at Invitae indicates that this missense variant is not expected to disrupt POLE protein function with a negative predictive value of 80%. In summary, the available evidence is currently insufficient to determine the role of this variant in disease. Therefore, it has been classified as a Variant of Uncertain Significance.

NM_006231.4(POLE):c.3348C>G (p.Ser1116Arg)

Gene: POLE (DNA polymerase epsilon, catalytic subunit; minus strand). Cytogenetic location: 12q24.33.
Variant type: single nucleotide variant.
Coding change: c.3348C>G on transcript NM_006231.4 (MANE Select); coding-DNA position 3348, C replaced by G.
Protein change: p.Ser1116Arg; replaces serine 1116 with arginine.
Molecular consequence: missense variant.
Genome position (GRCh38, 1-based): chr12:132,657,898, G>C on the plus strand (C>G on the coding strand, the complement: POLE is on the minus strand). VCF-style: chr12-132657898-G-C. GRCh37 (hg19) VCF-style: chr12-133234484-G-C.
Other names: c.3348C>G (NM_006231.2); short protein forms S1116R.
Identifiers: ClinVar variation 666019 (VCV000666019.10), dbSNP rs1593767712, ClinGen allele CA387389638.
Genomic context (GRCh38, chr12:132,657,898, plus strand): 5'-TTAAGAGTAGAGAACGCAACTGGCACTCACTGCTCGAATATCAAAGTCTTGAAGGGAAGA[G>C]CTCTTGAGCCATTTCCGGAGAAAGTGCTTCCTCACCGTGGGCTCTGCTTGGAAAATGGCA-3'
Protein context (NP_006222.2, residues 1106-1126): RKHFLRKWLK[Ser1116Arg]SSLQDFDIRA